The following is an entry in ClinVar:

ClinVar aggregate classification (germline): Likely benign. Review status: criteria provided, multiple submitters, no conflicts (2 of 4 stars). 3 submissions from 3 submitters: Likely benign (2). 1 of the submissions does not count toward it. Last evaluated 2025-09-29.

Conditions:
FERMT1-related disorder. Also called: FERMT1-related condition.

Allele frequency attached by ClinVar (database versions not stated): 1000 Genomes Project 30x 0.00016; 1000 Genomes Project 0.00020; ExAC 0.00020; TOPMed 0.00020; gnomAD exomes 0.00021 and 0.00044; gnomAD 0.00026 and 0.00027; ESP Exome Variant Server 0.00046.
gnomAD v4.1: 682 of 1,613,922 alleles (0.042%); highest among the groups gnomAD compares: Non-Finnish European, 0.053%; no homozygotes.

Submissions (3):

Labcorp Genetics (formerly Invitae), Labcorp
Classification: Likely benign. Last evaluated: 2025-09-29. Review status: criteria provided, single submitter. Criteria: Invitae Variant Classification Sherloc (09022015). Collection method: clinical testing. Allele origin: germline.

CeGaT Center for Human Genetics Tuebingen
Classification: Likely benign. Last evaluated: 2022-06-01. Review status: criteria provided, single submitter. Criteria: CeGaT Center For Human Genetics Tuebingen Variant Classification Criteria Version 2. Collection method: clinical testing. Allele origin: germline. Affected: yes. Observed: 1 variant allele.
Comment: FERMT1: BP4, BP7

PreventionGenetics, part of Exact Sciences
Classification: Likely benign for FERMT1-related condition. Last evaluated: 2019-02-20. Review status: no assertion criteria provided. Collection method: clinical testing. Allele origin: germline. Not counted in ClinVar's aggregate classification.
Comment: This variant is classified as likely benign based on ACMG/AMP sequence variant interpretation guidelines (Richards et al. 2015 PMID: 25741868, with internal and published modifications).

NM_017671.5(FERMT1):c.882G>A (p.Glu294=)

Gene: FERMT1 (FERM domain containing kindlin 1; minus strand). Cytogenetic location: 20p12.3.
Variant type: single nucleotide variant.
Coding change: c.882G>A on transcript NM_017671.5 (MANE Select); coding-DNA position 882, G replaced by A.
Protein change: p.Glu294=; no amino-acid change (glutamic acid 294 retained).
Molecular consequence: synonymous variant.
Genome position (GRCh38, 1-based): chr20:6,097,599, C>T on the plus strand (G>A on the coding strand, the complement: FERMT1 is on the minus strand). VCF-style: chr20-6097599-C-T. GRCh37 (hg19) VCF-style: chr20-6078246-C-T.
Other names: c.882G>A (NM_017671.4).
Identifiers: ClinVar variation 1591472 (VCV001591472.33), dbSNP rs149893089, ClinGen allele CA9758318.